The following is an entry in ClinVar:

ClinVar aggregate classification (germline): Uncertain significance. Review status: criteria provided, multiple submitters, no conflicts (2 of 4 stars). 2 submissions from 2 submitters: Uncertain significance (2). Last evaluated 2024-11-22.

Conditions:
Hereditary cancer-predisposing syndrome. Also called: Tumor predisposition; Hereditary Cancer Syndrome; Neoplastic Syndromes, Hereditary; Hereditary neoplastic syndrome. Identifiers: Orphanet 140162, MedGen C0027672, MeSH D009386, MONDO:0015356.
Neuroblastoma, susceptibility to, 3. Also called: ALK-Related Neuroblastic Tumor Susceptibility. Identifiers: Orphanet 635, MedGen C2751681, MONDO:0013083, OMIM 613014.

Allele frequency attached by ClinVar (database versions not stated): gnomAD exomes below 0.00001.
gnomAD v4.1: 4 of 1,614,104 alleles (0.00025%); highest among the groups gnomAD compares: Non-Finnish European, 0.00025%; no homozygotes.

Submissions (2):

Labcorp Genetics (formerly Invitae), Labcorp
Classification: Uncertain significance for Neuroblastoma, susceptibility to, 3. Last evaluated: 2024-11-22. Review status: criteria provided, single submitter. Criteria: Invitae Variant Classification Sherloc (09022015). Collection method: clinical testing. Allele origin: germline.
Comment: This sequence change creates a premature translational stop signal (p.Tyr1327*) in the ALK gene. It is expected to result in an absent or disrupted protein product. However, the current clinical and genetic evidence is not sufficient to establish whether loss-of-function variants in ALK cause disease. This variant is not present in population databases (gnomAD no frequency). This variant has not been reported in the literature in individuals affected with ALK-related conditions. ClinVar contains an entry for this variant (Variation ID: 1014679). Algorithms developed to predict the effect of sequence changes on RNA splicing suggest that this variant may disrupt the consensus splice site. In summary, the available evidence is currently insufficient to determine the role of this variant in disease. Therefore, it has been classified as a Variant of Uncertain Significance.

Ambry Genetics
Classification: Uncertain significance for Hereditary cancer-predisposing syndrome. Last evaluated: 2024-02-14. Review status: criteria provided, single submitter. Criteria: Ambry Variant Classification Scheme 2023. Collection method: clinical testing. Allele origin: germline.
Comment: The p.Y1327* variant (also known as c.3981T>G), located in coding exon 27 of the ALK gene, results from a T to G substitution at nucleotide position 3981. This changes the amino acid from a tyrosine to a stop codon within coding exon 27. This alteration is expected to result in protein truncation or nonsense-mediated mRNA decay. However, loss of function of ALK has not been established as a mechanism of disease. Based on the available evidence, the clinical significance of this alteration remains unclear.

NM_004304.5(ALK):c.3981T>G (p.Tyr1327Ter)

Gene: ALK (ALK receptor tyrosine kinase; minus strand). Cytogenetic location: 2p23.2.
Variant type: single nucleotide variant.
Coding change: c.3981T>G on transcript NM_004304.5 (MANE Select); coding-DNA position 3981, T replaced by G.
Protein change: p.Tyr1327Ter; replaces tyrosine 1327 with a stop codon.
Molecular consequence: nonsense.
Genome position (GRCh38, 1-based): chr2:29,197,634, A>C on the plus strand (T>G on the coding strand, the complement: ALK is on the minus strand). VCF-style: chr2-29197634-A-C. GRCh37 (hg19) VCF-style: chr2-29420500-A-C.
Other names: c.777T>G, p.Tyr259Ter (NM_001353765.2); c.3981T>G (NM_004304.4); short protein forms Y1327*, Y259*.
Identifiers: ClinVar variation 1014679 (VCV001014679.9), dbSNP rs1669057406, ClinGen allele CA346466290.
Genomic context (GRCh38, chr2:29,197,634, plus strand): 5'-CCGGCCTCCACTGGTGACAAACTCCAGAACTTCCTGGTTGCTTTTGCTGGGGTATGGCAT[A>C]TATCCAAGAGAAAAGATTTCCCATAGCAGCACTCCAAAGGACCTGGGCATGGGACAGAGG-3'